The following is an entry in ClinVar:

NM_014363.6(SACS):c.727C>G (p.Leu243Val)

Gene: SACS (sacsin molecular chaperone; minus strand). Cytogenetic location: 13q12.12.
Variant type: single nucleotide variant.
Coding change: c.727C>G on transcript NM_014363.6 (MANE Select); coding-DNA position 727, C replaced by G.
Protein change: p.Leu243Val; replaces leucine 243 with valine.
Molecular consequence: missense variant.
Genome position (GRCh38, 1-based): chr13:23,355,885, G>C on the plus strand (C>G on the coding strand, the complement: SACS is on the minus strand). VCF-style: chr13-23355885-G-C. GRCh37 (hg19) VCF-style: chr13-23930024-G-C.
Other names: c.727C>G (NM_014363.4); c.286C>G, p.Leu96Val (NM_001278055.2); short protein forms L243V, L96V.
Identifiers: ClinVar variation 2920000 (VCV002920000.4), dbSNP rs764837003, ClinGen allele CA6912030.

ClinVar aggregate classification (germline): Conflicting classifications of pathogenicity. Review status: criteria provided, conflicting classifications (1 of 4 stars). 2 submissions from 2 submitters: Uncertain significance (1); Likely benign (1). Last evaluated 2023-11-20.

Conditions:
Spastic paraplegia. Identifiers: MedGen C0037772, HP:0001258.

Allele frequency attached by ClinVar (database versions not stated): ExAC 0.00001; gnomAD 0.00001; TOPMed 0.00003.
gnomAD v4.1: 5 of 1,614,036 alleles (0.00031%); highest among the groups gnomAD compares: African/African-American, 0.0067%; no homozygotes.

Submissions (2):

GeneDx
Classification: Uncertain significance. Last evaluated: 2023-11-20. Review status: criteria provided, single submitter. Criteria: GeneDx Variant Classification Process June 2021. Collection method: clinical testing. Allele origin: germline. Affected: yes.
Comment: Not observed at significant frequency in large population cohorts (gnomAD); In silico analysis indicates that this missense variant does not alter protein structure/function; Has not been previously published as pathogenic or benign to our knowledge

Labcorp Genetics (formerly Invitae), Labcorp
Classification: Likely benign for Spastic paraplegia. Last evaluated: 2023-05-20. Review status: criteria provided, single submitter. Criteria: Invitae Variant Classification Sherloc (09022015). Collection method: clinical testing. Allele origin: germline.